The following is an entry in ClinVar:

NM_178857.6(RP1L1):c.452C>T (p.Pro151Leu)

Gene: RP1L1 (RP1 like 1). Cytogenetic location: 8p23.1.
Variant type: single nucleotide variant.
Coding change: c.452C>T on transcript NM_178857.6 (MANE Select); coding-DNA position 452, C replaced by T.
Protein change: p.Pro151Leu; replaces proline 151 with leucine.
Molecular consequence: missense variant.
Genome position (GRCh38, 1-based): chr8:10,622,750, G>A on the plus strand (C>T on the coding strand, the complement: RP1L1 is on the minus strand). VCF-style: chr8-10622750-G-A. GRCh37 (hg19) VCF-style: chr8-10480260-G-A.
Other names: short protein forms P151L.
Identifiers: ClinVar variation 4629391 (VCV004629391.3).

ClinVar aggregate classification (germline): Uncertain significance. Review status: criteria provided, multiple submitters, no conflicts (2 of 4 stars). 3 submissions from 3 submitters: Uncertain significance (3). Last evaluated 2025-11-15.

Conditions:
Inborn genetic diseases. Identifiers: MedGen C0950123, MeSH D030342.

gnomAD v4.1: 15 of 1,614,098 alleles (0.00093%); highest among the groups gnomAD compares: Middle Eastern, 0.016%; no homozygotes.

Submissions (3):

Labcorp Genetics (formerly Invitae), Labcorp
Classification: Uncertain significance. Last evaluated: 2025-11-15. Review status: criteria provided, single submitter. Criteria: Invitae Variant Classification Sherloc (09022015). Collection method: clinical testing. Allele origin: germline.
Comment: This sequence change replaces proline, which is neutral and non-polar, with leucine, which is neutral and non-polar, at codon 151 of the RP1L1 protein (p.Pro151Leu). This variant is not present in population databases (gnomAD no frequency). This variant has not been reported in the literature in individuals affected with RP1L1-related conditions. Invitae Evidence Modeling of protein sequence and biophysical properties (such as structural, functional, and spatial information, amino acid conservation, physicochemical variation, residue mobility, and thermodynamic stability) indicates that this missense variant is not expected to disrupt RP1L1 protein function with a negative predictive value of 80%. In summary, the available evidence is currently insufficient to determine the role of this variant in disease. Therefore, it has been classified as a Variant of Uncertain Significance.

Ambry Genetics
Classification: Uncertain significance for Inborn genetic diseases. Last evaluated: 2025-10-15. Review status: criteria provided, single submitter. Criteria: Ambry Variant Classification Scheme 2023. Collection method: clinical testing. Allele origin: germline.

Blueprint Genetics
Classification: Uncertain significance. Last evaluated: 2022-02-03. Review status: criteria provided, single submitter. Criteria: ACMG Guidelines, 2015. Collection method: clinical testing. Allele origin: germline.